The following is an entry in ClinVar:

NM_021815.5(SLC5A7):c.230T>A (p.Val77Glu)

Gene: SLC5A7 (solute carrier family 5 member 7; plus strand). Cytogenetic location: 2q12.3.
Variant type: single nucleotide variant.
Coding change: c.230T>A on transcript NM_021815.5 (MANE Select); coding-DNA position 230, T replaced by A.
Protein change: p.Val77Glu; replaces valine 77 with glutamic acid.
Molecular consequence: missense variant. On other transcripts: 5 prime UTR variant (2).
Genome position (GRCh38, 1-based): chr2:107,992,157, T>A. VCF-style: chr2-107992157-T-A. GRCh37 (hg19) VCF-style: chr2-108608613-T-A.
Other names: c.230T>A, p.Val77Glu (NM_001305005.3); c.-86T>A (NM_001305006.3); c.-475T>A (NM_001305007.3); short protein forms V77E.
Identifiers: ClinVar variation 660026 (VCV000660026.8), dbSNP rs1573592052, ClinGen allele CA348020512.

ClinVar aggregate classification (germline): Uncertain significance (1 of 4 stars; one submission).

Conditions:
Congenital myasthenic syndrome 20. Also called: Myasthenic syndrome, congenital, 20, presynaptic. Identifiers: MedGen C4310694, MONDO:0014939, OMIM 617143.
Neuronopathy, distal hereditary motor, type 7A. Also called: Neuronopathy, distal hereditary motor, type viia; NEURONOPATHY, DISTAL HEREDITARY MOTOR, HARDING TYPE VIIA; NEUROPATHY, DISTAL HEREDITARY MOTOR, HARDING TYPE VIIA; Neuronopathy, distal hereditary motor, autosomal dominant 7; HARPER-YOUNG MYOPATHY; HMN VIIA. Identifiers: Orphanet 139589, MedGen C1834703, MONDO:0008024, OMIM 158580.

Submission:

Labcorp Genetics (formerly Invitae), Labcorp
Classification: Uncertain significance for Neuronopathy, distal hereditary motor, type 7A; Congenital myasthenic syndrome 20. Last evaluated: 2022-02-03. Review status: criteria provided, single submitter. Criteria: Invitae Variant Classification Sherloc (09022015). Collection method: clinical testing. Allele origin: germline.
Comment: This sequence change replaces valine, which is neutral and non-polar, with glutamic acid, which is acidic and polar, at codon 77 of the SLC5A7 protein (p.Val77Glu). This variant is not present in population databases (gnomAD no frequency). This variant has not been reported in the literature in individuals affected with SLC5A7-related conditions. ClinVar contains an entry for this variant (Variation ID: 660026). Algorithms developed to predict the effect of missense changes on protein structure and function (SIFT, PolyPhen-2, Align-GVGD) all suggest that this variant is likely to be tolerated. In summary, the available evidence is currently insufficient to determine the role of this variant in disease. Therefore, it has been classified as a Variant of Uncertain Significance.